The following is an entry in ClinVar:

ClinVar aggregate classification (germline): Pathogenic/Likely pathogenic. Review status: criteria provided, multiple submitters, no conflicts (2 of 4 stars). 14 submissions from 14 submitters: Pathogenic (9); Likely pathogenic (4). 1 of the submissions does not count toward it. Last evaluated 2026-07-05.

Conditions:
FBP1-related disorder. Also called: FBP1-related condition.
Glycogen storage disease. Also called: glycogen storage disorder; Disorder of glycogen metabolism. Identifiers: Orphanet 79201, MedGen C0017919, MONDO:0002412.
Fructose-biphosphatase deficiency (FBP1D). Also called: Fructose 1,6 Bisphosphatase Deficiency; Fructose-1,6-Diphosphatase Deficiency; Fructose-1,6-Bisphosphatase 1 Deficiency. Identifiers: Orphanet 348, MedGen C0016756, MONDO:0009251, OMIM 229700.

Allele frequency attached by ClinVar (database versions not stated): gnomAD below 0.00001 and 0.00001; TOPMed below 0.00001; gnomAD exomes 0.00004 and 0.00008; ExAC 0.00007; 1000 Genomes Project 30x 0.00016; 1000 Genomes Project 0.00020.
gnomAD v4.1: 67 of 1,614,142 alleles (0.0042%); highest among the groups gnomAD compares: South Asian, 0.067%; no homozygotes.

Submissions (14):

Genetics Laboratory, Great Ormond Street Hospital NHS Foundation Trust, North Thames Genomic Laboratory Hub
Classification: Pathogenic for Glycogen storage disease. Last evaluated: 2026-07-05. Review status: criteria provided, single submitter. Criteria: ACGS Best Practice Guidelines for Variant Classification in Rare Disease 2024 v1.2. Collection method: clinical testing. Allele origin: germline. Affected: yes.
Comment: PM2_moderate, PP3_supporting, PS3_supporting, PM3_strong, PP4_strong

Labcorp Genetics (formerly Invitae), Labcorp
Classification: Pathogenic for Fructose-biphosphatase deficiency. Last evaluated: 2025-02-06. Review status: criteria provided, single submitter. Criteria: Invitae Variant Classification Sherloc (09022015). Collection method: clinical testing. Allele origin: germline.
Comment: This sequence change replaces glutamic acid, which is acidic and polar, with lysine, which is basic and polar, at codon 281 of the FBP1 protein (p.Glu281Lys). This variant is present in population databases (rs566453434, gnomAD 0.06%). This missense change has been observed in individuals with fructose-1,6-bisphosphatase deficiency (PMID: 23881342, 27101822, 29016355, 29774539; internal data). It has also been observed to segregate with disease in related individuals. ClinVar contains an entry for this variant (Variation ID: 381580). Invitae Evidence Modeling of protein sequence and biophysical properties (such as structural, functional, and spatial information, amino acid conservation, physicochemical variation, residue mobility, and thermodynamic stability) indicates that this missense variant is expected to disrupt FBP1 protein function with a positive predictive value of 95%. For these reasons, this variant has been classified as Pathogenic.

Blueprint Genetics
Classification: Pathogenic for FBP1-related disorders. Last evaluated: 2024-09-19. Review status: criteria provided, single submitter. Criteria: ACMG Guidelines, 2015. Collection method: clinical testing. Allele origin: germline. Affected: yes. Observed: 4 variant alleles.

Fulgent Genetics
Classification: Likely pathogenic for Fructose-biphosphatase deficiency. Last evaluated: 2024-06-19. Review status: criteria provided, single submitter. Criteria: ACMG Guidelines, 2015. Collection method: clinical testing. Allele origin: germline.

Women's Health and Genetics/Laboratory Corporation of America, LabCorp
Classification: Pathogenic for Fructose-biphosphatase deficiency. Last evaluated: 2024-06-17. Review status: criteria provided, single submitter. Criteria: LabCorp Variant Classification Summary - May 2015. Collection method: clinical testing. Allele origin: germline.
Comment: Variant summary: FBP1 c.841G>A (p.Glu281Lys) results in a conservative amino acid change located in the fructose-1-6-bisphosphatase class 1, C-terminal domain (IPR044015) of the encoded protein sequence. Four of five in-silico tools predict a damaging effect of the variant on protein function. The variant allele was found at a frequency of 7.6e-05 in 251476 control chromosomes. This frequency is not significantly higher than estimated for a pathogenic variant in FBP1 causing Fructose-biphosphatase deficiency, allowing no conclusion about variant significance. c.841G>A has been reported in the literature in the compound heterozygous and homozygous states in multiple individuals affected with Fructose-biphosphatase deficiency (e.g. Afroze_2013, Kato_2015, Bhai_2018). These data indicate that the variant is very likely to be associated with disease. At least one in vitro study in HepG2 cells reports experimental evidence that this variant results in significantly reduced enzyme activity compared to wildtype. The following publications have been ascertained in the context of this evaluation (PMID: 23881342, 29774539, 26549536, 37507476). ClinVar contains an entry for this variant (Variation ID: 381580). Based on the evidence outlined above, the variant was classified as pathogenic.

Revvity Omics, Revvity
Classification: Likely pathogenic for Fructose-biphosphatase deficiency. Last evaluated: 2024-04-02. Review status: criteria provided, single submitter. Criteria: ACMG Guidelines, 2015. Collection method: clinical testing. Allele origin: germline.

GeneDx
Classification: Pathogenic. Last evaluated: 2023-07-04. Review status: criteria provided, single submitter. Criteria: GeneDx Variant Classification Process June 2021. Collection method: clinical testing. Allele origin: germline. Affected: yes.
Comment: In silico analysis supports that this missense variant has a deleterious effect on protein structure/function; This variant is associated with the following publications: (PMID: 27101822, 29774539, 29016355, 31584309, 23881342, 33083013, 26549536)

Center for Molecular Medicine, Children’s Hospital of Fudan University
Classification: Pathogenic for Fructose-biphosphatase deficiency. Last evaluated: 2022-12-21. Review status: criteria provided, single submitter. Criteria: ACMG Guidelines, 2015. Collection method: clinical testing. Allele origin: paternal. Affected: yes. Observed: 1 variant allele.

3billion
Classification: Pathogenic for Fructose-biphosphatase deficiency. Last evaluated: 2022-05-22. Review status: criteria provided, single submitter. Criteria: ACMG Guidelines, 2015. Collection method: clinical testing. Allele origin: germline. Affected: yes. Observed: 1 homozygote.
Comment: The variant is observed at an extremely low frequency in the gnomAD v2.1.1 dataset (total allele frequency: 0.008%). In silico tool predictions suggest damaging effect of the variant on gene or gene product (REVEL: 0.82; 3Cnet: 0.97). Same nucleotide change resulting in same amino acid change has been previously reported as pathogenic/likely pathogenic with strong evidence (ClinVar ID: VCV000381580). The variant has been observed in multiple (>3) similarly affected unrelated individuals (PMID:23881342, 27101822, 29016355, 29774539). Therefore, this variant is classified as pathogenic according to the recommendation of ACMG/AMP guideline.

Institute of Medical Genetics and Genomics, Sir Ganga Ram Hospital
Classification: Pathogenic for Fructose-biphosphatase deficiency. Last evaluated: 2012-07-10. Review status: criteria provided, single submitter. Criteria: Submitterâ€™s publication. Collection method: clinical testing. Allele origin: inherited. Affected: yes. Observed: 10 variant alleles.

CENTOGENE GmbH and LLC - Guiding Precision Medicine
Classification: Pathogenic for Fructose-1,6-bisphosphatase deficiency. Review status: criteria provided, single submitter. Criteria: ACMG Guidelines, 2015. Collection method: clinical testing. Allele origin: germline. Affected: yes.

Kasturba Medical College, Manipal, Kasturba Medical College, Manipal, Manipal Academy of Higher Education, Manipal, India
Classification: Likely pathogenic for Fructose-biphosphatase deficiency. Review status: criteria provided, single submitter. Criteria: ACMG Guidelines, 2015. Collection method: clinical testing. Allele origin: inherited. Affected: yes.

Lifecell International Pvt. Ltd
Classification: Likely pathogenic for Fructose-biphosphatase deficiency. Review status: criteria provided, single submitter. Criteria: ACMG Guidelines, 2015. Collection method: clinical testing. Allele origin: germline. Inheritance: Autosomal recessive inheritance. Affected: yes. Observed: 1 compound heterozygote.
Comment: A Heterozygous Missense variant c.841G>A in Exon 7 of the FBP1 gene that results in the amino acid substitution p.Glu281Lys was identified. The observed variant has a minor allele frequency of 0.00008% in gnomAD exomes and genomes, respectively. The severity of the impact of this variant on the protein is high, based on the effect of the protein and REVEL score. Rare Exome Variant Ensemble Learner (REVEL) is an ensembl method for predicting the pathogenicity of missense variants based on a combination of scores from 13 individual tools: MutPred, FATHMM v2.3, VEST 3.0, PolyPhen-2, SIFT, PROVEAN, MutationAssessor, MutationTaster, LRT, GERP++, SiPhy, phyloP, and phastCons. The REVEL score for an individual missense variant can range from 0 to 1, with higher scores reflecting greater likelihood that the variant is disease-causing. ClinVar has also classified this variant as Pathogenic/ Likely Pathogenic with 2 stars, criteria provided, multiple submitters, no conflicts (Variant ID: 381580). This variant has previously been reported for fructose-1,6-bisphosphatase deficiency by Santer R,et,al.,2016. Based on the above evidence this variant has been classified as Likely Pathogenic according to the ACMG guidelines.

Biochemical Molecular Genetic Laboratory, King Abdulaziz Medical City
Classification: Likely pathogenic for Fructose-biphosphatase deficiency. Last evaluated: 2020-10-11. Review status: no assertion criteria provided. Collection method: clinical testing. Allele origin: germline. Affected: yes. Not counted in ClinVar's aggregate classification.

Literature cited by the submitters: PubMed 23881342 (cited by 3 submitters); PubMed 27101822 (cited by 3 submitters); PubMed 29016355 (cited by Labcorp Genetics (formerly Invitae), Labcorp and 3billion); PubMed 29774539 (cited by 3 submitters); PubMed 37507476 (cited by Women's Health and Genetics/Laboratory Corporation of America, LabCorp); PubMed 26549536 (cited by Women's Health and Genetics/Laboratory Corporation of America, LabCorp).

NM_000507.4(FBP1):c.841G>A (p.Glu281Lys)

Gene: FBP1 (fructose-bisphosphatase 1; minus strand). Cytogenetic location: 9q22.32.
Variant type: single nucleotide variant.
Coding change: c.841G>A on transcript NM_000507.4 (MANE Select); coding-DNA position 841, G replaced by A.
Protein change: p.Glu281Lys; replaces glutamic acid 281 with lysine.
Molecular consequence: missense variant.
Genome position (GRCh38, 1-based): chr9:94,603,557, C>T on the plus strand (G>A on the coding strand, the complement: FBP1 is on the minus strand). VCF-style: chr9-94603557-C-T. GRCh37 (hg19) VCF-style: chr9-97365839-C-T.
Other names: c.841G>A, p.Glu281Lys (NM_001127628.2); short protein forms E281K.
Identifiers: ClinVar variation 381580 (VCV000381580.32), dbSNP rs566453434, ClinGen allele CA5136090.